The following is an entry in ClinVar:

ClinVar aggregate classification (germline): Benign/Likely benign. Review status: criteria provided, multiple submitters, no conflicts (2 of 4 stars). 3 submissions from 3 submitters: Benign (1); Likely benign (2). Last evaluated 2026-09-01.

Allele frequency attached by ClinVar (database versions not stated): 1000 Genomes Project 30x 0.00016; 1000 Genomes Project 0.00020; ESP Exome Variant Server 0.00038; gnomAD exomes 0.00039 and 0.00178; gnomAD 0.00050 and 0.00053; TOPMed 0.00094; ExAC 0.00139.
gnomAD v4.1: 644 of 1,613,394 alleles (0.04%); highest among the groups gnomAD compares: Admixed American, 0.83%; 5 homozygotes.

Submissions (3):

CeGaT Center for Human Genetics Tuebingen
Classification: Likely benign. Last evaluated: 2026-09-01. Review status: criteria provided, single submitter. Criteria: CeGaT Center For Human Genetics Tuebingen Variant Classification Criteria Version 2. Collection method: clinical testing. Allele origin: germline. Affected: yes. Observed: 11 variant alleles.
Comment: HERC2: BP4, BP7

Blueprint Genetics
Classification: Likely benign. Last evaluated: 2024-11-04. Review status: criteria provided, single submitter. Criteria: ACMG Guidelines, 2015. Collection method: clinical testing. Allele origin: germline.

Labcorp Genetics (formerly Invitae), Labcorp
Classification: Benign. Last evaluated: 2019-12-31. Review status: criteria provided, single submitter. Criteria: Invitae Variant Classification Sherloc (09022015). Collection method: clinical testing. Allele origin: germline.

NM_004667.6(HERC2):c.1281T>C (p.Gly427=)

Gene: HERC2 (HECT and RLD domain containing E3 ubiquitin protein ligase 2; minus strand). Cytogenetic location: 15q13.1.
Variant type: single nucleotide variant.
Coding change: c.1281T>C on transcript NM_004667.6 (MANE Select); coding-DNA position 1281, T replaced by C.
Protein change: p.Gly427=; no amino-acid change (glycine 427 retained).
Molecular consequence: synonymous variant.
Genome position (GRCh38, 1-based): chr15:28,269,413, A>G on the plus strand (T>C on the coding strand, the complement: HERC2 is on the minus strand). VCF-style: chr15-28269413-A-G. GRCh37 (hg19) VCF-style: chr15-28514559-A-G.
Identifiers: ClinVar variation 717376 (VCV000717376.11), dbSNP rs201936190, ClinGen allele CA7443488.